The following is an entry in ClinVar:

ClinVar aggregate classification (germline): Pathogenic/Likely pathogenic. Review status: criteria provided, multiple submitters, no conflicts (2 of 4 stars). 3 submissions from 3 submitters: Pathogenic (2); Likely pathogenic (1). Last evaluated 2025-08-14.

Conditions:
Glycogen storage disease, type V (GSD5). Also called: McArdle type glycogen storage disease; MCARDLE DISEASE; MUSCLE GLYCOGEN PHOSPHORYLASE DEFICIENCY; MYOPHOSPHORYLASE DEFICIENCY; PYGM DEFICIENCY. Identifiers: Orphanet 368, MedGen C0017924, MONDO:0009293, OMIM 232600.

Submissions (3):

Myriad Genetics, Inc.
Classification: Pathogenic for Glycogen storage disease, type V. Last evaluated: 2025-08-14. Review status: criteria provided, single submitter. Criteria: Myriad Autosomal Dominant, Autosomal Recessive and X-Linked Classification Criteria (2023). Collection method: clinical testing. Allele origin: unknown.
Comment: NM_005609.2(PYGM):c.679_686dup8(P230Tfs*68) is a frameshift variant classified as pathogenic in the context of glycogen storage disease, PYGM-related. P230Tfs*68 has not been observed in cases with relevant disease. Relevant functional assessments of this variant are not available in the literature. P230Tfs*68 has not been observed in referenced population frequency databases. In summary, NM_005609.2(PYGM):c.679_686dup8(P230Tfs*68) is a frameshift variant in a gene where loss of function is a known mechanism of disease and is predicted to disrupt protein function. Please note: this variant was assessed in the context of healthy population screening.

Labcorp Genetics (formerly Invitae), Labcorp
Classification: Pathogenic for Glycogen storage disease, type V. Last evaluated: 2025-06-15. Review status: criteria provided, single submitter. Criteria: Invitae Variant Classification Sherloc (09022015). Collection method: clinical testing. Allele origin: germline.
Comment: This sequence change creates a premature translational stop signal (p.Pro230Thrfs*68) in the PYGM gene. It is expected to result in an absent or disrupted protein product. Loss-of-function variants in PYGM are known to be pathogenic (PMID: 8316268, 16786513). This variant is not present in population databases (gnomAD no frequency). This variant has not been reported in the literature in individuals affected with PYGM-related conditions. ClinVar contains an entry for this variant (Variation ID: 3600069). For these reasons, this variant has been classified as Pathogenic.

Fulgent Genetics
Classification: Likely pathogenic for Glycogen storage disease, type V. Last evaluated: 2024-06-18. Review status: criteria provided, single submitter. Criteria: ACMG Guidelines, 2015. Collection method: clinical testing. Allele origin: germline.

Literature cited by the submitters: PubMed 8316268 (cited by Labcorp Genetics (formerly Invitae), Labcorp); PubMed 16786513 (cited by Labcorp Genetics (formerly Invitae), Labcorp).

NM_005609.4(PYGM):c.679_686dup (p.Pro230fs)

Gene: PYGM (glycogen phosphorylase, muscle associated; minus strand). Cytogenetic location: 11q13.1.
Variant type: Duplication.
Coding change: c.679_686dup on transcript NM_005609.4 (MANE Select); coding-DNA positions 679 to 686, 8 bases duplicated (TACGATAC; older notation c.679_686dupTACGATAC).
Protein change: p.Pro230fs; shifts the reading frame from proline 230.
Molecular consequence: frameshift variant.
Genome position (GRCh38, 1-based): chr11:64,755,533-64,755,540, GTATCGTA duplicated on the plus strand (TACGATAC on the coding strand, the reverse complement: PYGM is on the minus strand); duplicating any 8 consecutive bases within chr11:64,755,533-64,755,541 gives the same sequence; the c. name uses the placement nearest the transcript's 3' end. VCF-style (leftmost placement, unchanged base first): chr11-64755532-C-CGTATCGTA. GRCh37 (hg19) VCF-style: chr11-64523004-C-CGTATCGTA.
Other names: c.415_422dup, p.Pro142fs (NM_001164716.1); short protein forms P230fs, P142fs.
Identifiers: ClinVar variation 3600069 (VCV003600069.3).